The following is an entry in ClinVar:

ClinVar aggregate classification (germline): Likely benign. Review status: criteria provided, multiple submitters, no conflicts (2 of 4 stars). 3 submissions from 3 submitters: Likely benign (2). 1 of the submissions does not count toward it. Last evaluated 2025-12-15.

Conditions:
Bardet-Biedl syndrome (BBS). Identifiers: Orphanet 110, MedGen C0752166, MONDO:0015229.
BBS10-related disorder. Also called: BBS10-related condition.

Allele frequency attached by ClinVar (database versions not stated): gnomAD exomes below 0.00001 and 0.00001; gnomAD 0.00003 and 0.00004; TOPMed 0.00004.

Submissions (3):

Labcorp Genetics (formerly Invitae), Labcorp
Classification: Likely benign for Bardet-Biedl syndrome. Last evaluated: 2025-12-15. Review status: criteria provided, single submitter. Criteria: Invitae Variant Classification Sherloc (09022015). Collection method: clinical testing. Allele origin: germline.

Blueprint Genetics
Classification: Likely benign. Last evaluated: 2019-02-01. Review status: criteria provided, single submitter. Criteria: ACMG Guidelines, 2015. Collection method: clinical testing. Allele origin: germline.

PreventionGenetics, part of Exact Sciences
Classification: Likely benign for BBS10-related condition. Last evaluated: 2021-11-12. Review status: no assertion criteria provided. Collection method: clinical testing. Allele origin: germline. Not counted in ClinVar's aggregate classification.
Comment: This variant is classified as likely benign based on ACMG/AMP sequence variant interpretation guidelines (Richards et al. 2015 PMID: 25741868, with internal and published modifications).

NM_024685.4(BBS10):c.163C>T (p.Leu55=)

Gene: BBS10 (Bardet-Biedl syndrome 10; minus strand). Cytogenetic location: 12q21.2.
Variant type: single nucleotide variant.
Coding change: c.163C>T on transcript NM_024685.4 (MANE Select); coding-DNA position 163, C replaced by T.
Protein change: p.Leu55=; no amino-acid change (leucine 55 retained).
Molecular consequence: synonymous variant.
Genome position (GRCh38, 1-based): chr12:76,348,196, G>A on the plus strand (C>T on the coding strand, the complement: BBS10 is on the minus strand). VCF-style: chr12-76348196-G-A. GRCh37 (hg19) VCF-style: chr12-76741976-G-A.
Other names: c.163C>T (NM_024685.3).
Identifiers: ClinVar variation 1095277 (VCV001095277.12), dbSNP rs887761680, ClinGen allele CA239332836.